The following is an entry in ClinVar:

NM_004252.5(NHERF1):c.1066A>G (p.Ser356Gly)

Gene: NHERF1 (NHERF family PDZ scaffold protein 1; plus strand). Cytogenetic location: 17q25.1.
Variant type: single nucleotide variant.
Coding change: c.1066A>G on transcript NM_004252.5 (MANE Select); coding-DNA position 1066, A replaced by G.
Protein change: p.Ser356Gly; replaces serine 356 with glycine.
Molecular consequence: missense variant.
Genome position (GRCh38, 1-based): chr17:74,768,645, A>G. VCF-style: chr17-74768645-A-G. GRCh37 (hg19) VCF-style: chr17-72764784-A-G.
Other names: short protein forms S356G.
Identifiers: ClinVar variation 3718667 (VCV003718667.2).

ClinVar aggregate classification (germline): Uncertain significance (1 of 4 stars; one submission).

gnomAD v4.1: 1 of 1,613,934 alleles (0.000062%); highest among the groups gnomAD compares: Non-Finnish European, 0.000085%; no homozygotes.

Submission:

Labcorp Genetics (formerly Invitae), Labcorp
Classification: Uncertain significance. Last evaluated: 2024-10-02. Review status: criteria provided, single submitter. Criteria: Invitae Variant Classification Sherloc (09022015). Collection method: clinical testing. Allele origin: germline.
Comment: This sequence change replaces serine, which is neutral and polar, with glycine, which is neutral and non-polar, at codon 356 of the SLC9A3R1 protein (p.Ser356Gly). This variant is not present in population databases (gnomAD no frequency). This variant has not been reported in the literature in individuals affected with SLC9A3R1-related conditions. An algorithm developed to predict the effect of missense changes on protein structure and function outputs the following: PolyPhen-2: "Benign". The glycine amino acid residue is found in multiple mammalian species, which suggests that this missense change does not adversely affect protein function. In summary, the available evidence is currently insufficient to determine the role of this variant in disease. Therefore, it has been classified as a Variant of Uncertain Significance.